The following is an entry in ClinVar:

NM_201550.4(LRRC10):c.77G>A (p.Arg26His)

Gene: LRRC10 (leucine rich repeat containing 10; minus strand). Cytogenetic location: 12q15.
Variant type: single nucleotide variant.
Coding change: c.77G>A on transcript NM_201550.4 (MANE Select); coding-DNA position 77, G replaced by A.
Protein change: p.Arg26His; replaces arginine 26 with histidine.
Molecular consequence: missense variant.
Genome position (GRCh38, 1-based): chr12:69,610,762, C>T on the plus strand (G>A on the coding strand, the complement: LRRC10 is on the minus strand). VCF-style: chr12-69610762-C-T. GRCh37 (hg19) VCF-style: chr12-70004542-C-T.
Other names: short protein forms R26H.
Identifiers: ClinVar variation 1380037 (VCV001380037.6), dbSNP rs751287791, ClinGen allele CA6681143.
Genomic context (GRCh38, chr12:69,610,762, plus strand): 5'-AGGGGGAAGCGGCGTAACTGGCTCCCACTCAGATCCACCATCTTGTCCAGCGGCATCTCA[C>T]GGAGGTCCCTGACCACATAGTTCTGGCAACGGTCAGCAGGGATGAAGGCCACGAGGGCCC-3'
Protein context (NP_963844.2, residues 16-36): RCQNYVVRDL[Arg26His]EMPLDKMVDL

ClinVar aggregate classification (germline): Uncertain significance (1 of 4 stars; one submission).

Allele frequency attached by ClinVar (database versions not stated): TOPMed below 0.00001; gnomAD exomes 0.00001; ExAC 0.00002.

Submission:

Labcorp Genetics (formerly Invitae), Labcorp
Classification: Uncertain significance. Last evaluated: 2025-09-11. Review status: criteria provided, single submitter. Criteria: Invitae Variant Classification Sherloc (09022015). Collection method: clinical testing. Allele origin: germline.
Comment: This sequence change replaces arginine, which is basic and polar, with histidine, which is basic and polar, at codon 26 of the LRRC10 protein (p.Arg26His). This variant is present in population databases (rs751287791, gnomAD 0.002%). This variant has not been reported in the literature in individuals affected with LRRC10-related conditions. ClinVar contains an entry for this variant (Variation ID: 1380037). An algorithm developed to predict the effect of missense changes on protein structure and function outputs the following: PolyPhen-2: "Benign". The histidine amino acid residue is found in multiple mammalian species, which suggests that this missense change does not adversely affect protein function. In summary, the available evidence is currently insufficient to determine the role of this variant in disease. Therefore, it has been classified as a Variant of Uncertain Significance.